The following is an entry in ClinVar:

NM_002691.4(POLD1):c.1504G>C (p.Asp502His)

Gene: POLD1 (DNA polymerase delta 1, catalytic subunit; plus strand). Cytogenetic location: 19q13.33.
Variant type: single nucleotide variant.
Coding change: c.1504G>C on transcript NM_002691.4 (MANE Select); coding-DNA position 1504, G replaced by C.
Protein change: p.Asp502His; replaces aspartic acid 502 with histidine.
Molecular consequence: missense variant. On other transcripts: non-coding transcript variant (1).
Genome position (GRCh38, 1-based): chr19:50,406,992, G>C. VCF-style: chr19-50406992-G-C. GRCh37 (hg19) VCF-style: chr19-50910249-G-C.
Other names: c.1504G>C, p.Asp502His (NM_001256849.1, NM_001308632.1); short protein forms D502H.
Identifiers: ClinVar variation 1774063 (VCV001774063.3), dbSNP rs777866589, ClinGen allele CA406980761.

ClinVar aggregate classification (germline): Uncertain significance. Review status: criteria provided, multiple submitters, no conflicts (2 of 4 stars). 2 submissions from 2 submitters: Uncertain significance (2). Last evaluated 2025-04-13.

Conditions:
Hereditary cancer-predisposing syndrome. Also called: Neoplastic Syndromes, Hereditary; Tumor predisposition; Hereditary neoplastic syndrome; Hereditary Cancer Syndrome. Identifiers: Orphanet 140162, MedGen C0027672, MeSH D009386, MONDO:0015356.
POLD1-related polyposis and colorectal cancer syndrome (CRCS10). Also called: COLORECTAL CANCER, SUSCEPTIBILITY TO, ON CHROMOSOME 19q; Colorectal cancer 10; Colorectal cancer, susceptibility to, 10. Identifiers: Orphanet 220460, MedGen C2675481, MONDO:0012953, OMIM 612591.

gnomAD v4.1: 1 of 1,435,758 alleles (0.00007%); highest among the groups gnomAD compares: Non-Finnish European, 0.000094%; no homozygotes.

Submissions (2):

Labcorp Genetics (formerly Invitae), Labcorp
Classification: Uncertain significance for POLD1-related polyposis and colorectal cancer syndrome. Last evaluated: 2025-04-13. Review status: criteria provided, single submitter. Criteria: Invitae Variant Classification Sherloc (09022015). Collection method: clinical testing. Allele origin: germline.
Comment: This sequence change replaces aspartic acid, which is acidic and polar, with histidine, which is basic and polar, at codon 502 of the POLD1 protein (p.Asp502His). This variant is present in population databases (no rsID available, gnomAD 0.0009%). This variant has not been reported in the literature in individuals affected with POLD1-related conditions. ClinVar contains an entry for this variant (Variation ID: 1774063). Invitae Evidence Modeling of protein sequence and biophysical properties (such as structural, functional, and spatial information, amino acid conservation, physicochemical variation, residue mobility, and thermodynamic stability) indicates that this missense variant is not expected to disrupt POLD1 protein function with a negative predictive value of 80%. In summary, the available evidence is currently insufficient to determine the role of this variant in disease. Therefore, it has been classified as a Variant of Uncertain Significance.

Ambry Genetics
Classification: Uncertain significance for Hereditary cancer-predisposing syndrome. Last evaluated: 2020-08-20. Review status: criteria provided, single submitter. Criteria: Ambry Variant Classification Scheme 2023. Collection method: clinical testing. Allele origin: germline.
Comment: The p.D502H variant (also known as c.1504G>C), located in coding exon 12 of the POLD1 gene, results from a G to C substitution at nucleotide position 1504. The aspartic acid at codon 502 is replaced by histidine, an amino acid with similar properties. This amino acid position is poorly conserved in available vertebrate species. In addition, this alteration is predicted to be tolerated by in silico analysis. Since supporting evidence is limited at this time, the clinical significance of this alteration remains unclear.